The following is an entry in ClinVar:

ClinVar aggregate classification (germline): Uncertain significance (1 of 4 stars; one submission).

Conditions:
Hypertrophic cardiomyopathy. Also called: HYPERTROPHIC MYOCARDIOPATHY. Identifiers: Orphanet 217569, MedGen C0007194, MeSH D002312, MONDO:0005045, HP:0001639.

gnomAD v4.1: 1 of 1,614,152 alleles (0.000062%); highest among the groups gnomAD compares: Non-Finnish European, 0.000085%; no homozygotes.

Submission:

Labcorp Genetics (formerly Invitae), Labcorp
Classification: Uncertain significance for Hypertrophic cardiomyopathy. Last evaluated: 2025-02-25. Review status: criteria provided, single submitter. Criteria: Invitae Variant Classification Sherloc (09022015). Collection method: clinical testing. Allele origin: germline.
Comment: This sequence change replaces alanine, which is neutral and non-polar, with serine, which is neutral and polar, at codon 561 of the MYH7 protein (p.Ala561Ser). This variant is present in population databases (rs730880878, gnomAD 0.0009%). This variant has not been reported in the literature in individuals affected with MYH7-related conditions. An algorithm developed to predict the effect of missense changes on protein structure and function outputs the following: PolyPhen-2: "Benign". The serine amino acid residue is found in multiple mammalian species, which suggests that this missense change does not adversely affect protein function. In summary, the available evidence is currently insufficient to determine the role of this variant in disease. Therefore, it has been classified as a Variant of Uncertain Significance.

NM_000257.4(MYH7):c.1681G>T (p.Ala561Ser)

Gene: MYH7 (myosin heavy chain 7; minus strand). Cytogenetic location: 14q11.2.
Variant type: single nucleotide variant.
Coding change: c.1681G>T on transcript NM_000257.4 (MANE Select); coding-DNA position 1681, G replaced by T.
Protein change: p.Ala561Ser; replaces alanine 561 with serine.
Molecular consequence: missense variant.
Genome position (GRCh38, 1-based): chr14:23,427,792, C>A on the plus strand (G>T on the coding strand, the complement: MYH7 is on the minus strand). VCF-style: chr14-23427792-C-A. GRCh37 (hg19) VCF-style: chr14-23897001-C-A.
Other names: c.1681G>T, p.Ala561Ser (NM_001407004.1); short protein forms A561S.
Identifiers: ClinVar variation 4749410 (VCV004749410.1).
Genomic context (GRCh38, chr14:23,427,792, plus strand): 5'-GGATCAGGGAGAAGTGGGCTTCAGGCTTCCCCTTGATATTGCGTGGCTTCTGGAAGTTGG[C>A]GGATTTGCCCAGGTGGTTGTCAAACAGCTTGGCCTTGAAGGTCATGTCGGTGGCCTTGGG-3'
Protein context (NP_000248.2, residues 551-571): KLFDNHLGKS[Ala561Ser]NFQKPRNIKG